The following is an entry in ClinVar:

ClinVar aggregate classification (germline): Uncertain significance. Review status: criteria provided, multiple submitters, no conflicts (2 of 4 stars). 3 submissions from 3 submitters: Uncertain significance (2). 1 of the submissions does not count toward it. Last evaluated 2025-08-25.

Conditions:
NBEA-related disorder. Also called: NBEA-related condition.
Inborn genetic diseases. Identifiers: MedGen C0950123, MeSH D030342.

Allele frequency attached by ClinVar (database versions not stated): TOPMed below 0.00001; gnomAD 0.00001.
gnomAD v4.1: 1 of 1,612,356 alleles (0.000062%); highest among the groups gnomAD compares: Non-Finnish European, 0.000085%; no homozygotes.

Submissions (3):

Ambry Genetics
Classification: Uncertain significance for Inborn genetic diseases. Last evaluated: 2025-08-25. Review status: criteria provided, single submitter. Criteria: Ambry Variant Classification Scheme 2023. Collection method: clinical testing. Allele origin: germline.

GeneDx
Classification: Uncertain significance. Last evaluated: 2019-10-25. Review status: criteria provided, single submitter. Criteria: GeneDx Variant Classification Process June 2021. Collection method: clinical testing. Allele origin: germline. Affected: yes.
Comment: Not observed in large population cohorts (Lek et al., 2016); In silico analysis, which includes protein predictors and evolutionary conservation, supports that this variant does not alter protein structure/function; Has not been previously published as pathogenic or benign to our knowledge

PreventionGenetics, part of Exact Sciences
Classification: Uncertain significance for NBEA-related condition. Last evaluated: 2024-02-23. Review status: no assertion criteria provided. Collection method: clinical testing. Allele origin: germline. Not counted in ClinVar's aggregate classification.
Comment: The NBEA c.3919T>C variant is predicted to result in the amino acid substitution p.Phe1307Leu. To our knowledge, this variant has not been reported in the literature or in gnomAD, indicating this variant is rare. At this time, the clinical significance of this variant is uncertain due to the absence of conclusive functional and genetic evidence.

NM_001385012.1(NBEA):c.3919T>C (p.Phe1307Leu)

Gene: NBEA (neurobeachin; plus strand). Cytogenetic location: 13q13.3.
Variant type: single nucleotide variant.
Coding change: c.3919T>C on transcript NM_001385012.1 (MANE Select); coding-DNA position 3919, T replaced by C.
Protein change: p.Phe1307Leu; replaces phenylalanine 1307 with leucine.
Molecular consequence: missense variant.
Genome position (GRCh38, 1-based): chr13:35,161,807, T>C. VCF-style: chr13-35161807-T-C. GRCh37 (hg19) VCF-style: chr13-35735944-T-C.
Other names: c.3919T>C, p.Phe1307Leu (NM_001379245.1, NM_015678.5); short protein forms F1307L.
Identifiers: ClinVar variation 1315876 (VCV001315876.5), dbSNP rs770632134, ClinGen allele CA387839656.